The following is an entry in ClinVar:

NM_000070.3(CAPN3):c.52C>T (p.Arg18Trp)

Gene: CAPN3 (calpain 3; plus strand). Cytogenetic location: 15q15.1.
Variant type: single nucleotide variant.
Coding change: c.52C>T on transcript NM_000070.3 (MANE Select); coding-DNA position 52, C replaced by T.
Protein change: p.Arg18Trp; replaces arginine 18 with tryptophan.
Molecular consequence: missense variant.
Genome position (GRCh38, 1-based): chr15:42,359,857, C>T. VCF-style: chr15-42359857-C-T. GRCh37 (hg19) VCF-style: chr15-42652055-C-T.
Other names: c.52C>T, p.Arg18Trp (NM_024344.2, NM_173087.2); short protein forms R18W.
Identifiers: ClinVar variation 574396 (VCV000574396.12), dbSNP rs764247865, ClinGen allele CA7510841.
Genomic context (GRCh38, chr15:42,359,857, plus strand): 5'-CCACTTGCCATGCCGACCGTCATTAGCGCATCTGTGGCTCCAAGGACAGCGGCTGAGCCC[C>T]GGTCCCCAGGGCCAGTTCCTCACCCGGCCCAGAGCAAGGCCACTGAGGCTGGGGGTGGAA-3'
Protein context (NP_000061.1, residues 8-28): SVAPRTAAEP[Arg18Trp]SPGPVPHPAQ

ClinVar aggregate classification (germline): Uncertain significance. Review status: criteria provided, multiple submitters, no conflicts (2 of 4 stars). 5 submissions from 4 submitters: Uncertain significance (4). 1 of the submissions does not count toward it. Last evaluated 2023-10-04.

Conditions:
Autosomal recessive limb-girdle muscular dystrophy type 2A (LGMDR1). Also called: Calpainopathy; Limb-girdle muscular dystrophy, type 2A; LEYDEN-MOEBIUS MUSCULAR DYSTROPHY; MUSCULAR DYSTROPHY, PELVOFEMORAL; Muscular dystrophy, limb-girdle, type 2A, Amish. Identifiers: Orphanet 267, MedGen C1869123, MONDO:0009675, OMIM 253600. Disease mechanism: loss of function.
Muscular dystrophy, limb-girdle, autosomal dominant 4. Also called: Calpain-3-related limb-girdle muscular dystrophy D4; MUSCULAR DYSTROPHY, LIMB-GIRDLE, TYPE 1I. Identifiers: Orphanet 565909, MedGen C4748295, MONDO:0029133, OMIM 618129.

Allele frequency attached by ClinVar (database versions not stated): gnomAD exomes below 0.00001; ExAC 0.00001; gnomAD 0.00003; TOPMed 0.00003.
gnomAD v4.1: 18 of 1,614,076 alleles (0.0011%); highest among the groups gnomAD compares: African/African-American, 0.0093%; no homozygotes.

Submissions (5):

Labcorp Genetics (formerly Invitae), Labcorp
Classification: Uncertain significance for Autosomal recessive limb-girdle muscular dystrophy type 2A. Last evaluated: 2023-10-04. Review status: criteria provided, single submitter. Criteria: Invitae Variant Classification Sherloc (09022015). Collection method: clinical testing. Allele origin: germline.
Comment: This sequence change replaces arginine, which is basic and polar, with tryptophan, which is neutral and slightly polar, at codon 18 of the CAPN3 protein (p.Arg18Trp). This variant is present in population databases (rs764247865, gnomAD 0.004%). This variant has not been reported in the literature in individuals affected with CAPN3-related conditions. ClinVar contains an entry for this variant (Variation ID: 574396). Advanced modeling of protein sequence and biophysical properties (such as structural, functional, and spatial information, amino acid conservation, physicochemical variation, residue mobility, and thermodynamic stability) has been performed at Invitae for this missense variant, however the output from this modeling did not meet the statistical confidence thresholds required to predict the impact of this variant on CAPN3 protein function. In summary, the available evidence is currently insufficient to determine the role of this variant in disease. Therefore, it has been classified as a Variant of Uncertain Significance.

Genome-Nilou Lab
Classification: Uncertain significance for Muscular dystrophy, limb-girdle, autosomal dominant 4. Last evaluated: 2021-07-14. Review status: criteria provided, single submitter. Criteria: ACMG Guidelines, 2015. Collection method: clinical testing. Allele origin: germline. Affected: no.

Genome-Nilou Lab
Classification: Uncertain significance for Autosomal recessive limb-girdle muscular dystrophy type 2A. Last evaluated: 2021-07-14. Review status: criteria provided, single submitter. Criteria: ACMG Guidelines, 2015. Collection method: clinical testing. Allele origin: germline. Affected: no.

Revvity Omics, Revvity
Classification: Uncertain significance. Last evaluated: 2019-05-30. Review status: criteria provided, single submitter. Criteria: ACMG Guidelines, 2015. Collection method: clinical testing. Allele origin: germline.

Natera, Inc.
Classification: Uncertain significance for Limb-girdle muscular dystrophy type 2A. Last evaluated: 2020-07-22. Review status: no assertion criteria provided. Collection method: clinical testing. Allele origin: germline. Not counted in ClinVar's aggregate classification.